The following is an entry in ClinVar:

NM_012401.4(PLXNB2):c.4425C>T (p.Asp1475=)

Gene: PLXNB2 (plexin B2; minus strand). Cytogenetic location: 22q13.33.
Variant type: single nucleotide variant.
Coding change: c.4425C>T on transcript NM_012401.4 (MANE Select); coding-DNA position 4425, C replaced by T.
Protein change: p.Asp1475=; no amino-acid change (aspartic acid 1475 retained).
Molecular consequence: synonymous variant. On other transcripts: intron variant (2).
Genome position (GRCh38, 1-based): chr22:50,278,976, G>A on the plus strand (C>T on the coding strand, the complement: PLXNB2 is on the minus strand). VCF-style: chr22-50278976-G-A. GRCh37 (hg19) VCF-style: chr22-50717405-G-A.
Other names: c.4390-43C>T (NM_001376884.1, NM_001376885.1); c.4662C>T, p.Asp1554= (NM_001376864.1); c.4494C>T, p.Asp1498= (NM_001376865.1); c.4425C>T, p.Asp1475= (NM_001376866.1, NM_001376867.1, NM_001376868.1 and 14 more transcripts); c.4401C>T, p.Asp1467= (NM_001376883.1); c.4332C>T, p.Asp1444= (NM_001376886.1).
Identifiers: ClinVar variation 3777919 (VCV003777919.7).

ClinVar aggregate classification (germline): Likely benign (1 of 4 stars; one submission).

gnomAD v4.1: 1,477 of 1,613,264 alleles (0.092%); highest among the groups gnomAD compares: Admixed American, 0.13%; 1 homozygote.

Submission:

CeGaT Center for Human Genetics Tuebingen
Classification: Likely benign. Last evaluated: 2025-03-01. Review status: criteria provided, single submitter. Criteria: CeGaT Center For Human Genetics Tuebingen Variant Classification Criteria Version 2. Collection method: clinical testing. Allele origin: germline. Affected: yes. Observed: 1 variant allele.
Comment: PLXNB2: BP4, BP7